The following is an entry in ClinVar:

ClinVar aggregate classification (germline): Uncertain significance (0 of 4 stars; one submission).

Conditions:
MACF1-related disorder. Also called: MACF1-related condition.

Submission:

PreventionGenetics, part of Exact Sciences
Classification: Uncertain significance for MACF1-related condition. Last evaluated: 2024-05-17. Review status: no assertion criteria provided. Collection method: clinical testing. Allele origin: germline.
Comment: The MACF1 c.16130T>C variant is predicted to result in the amino acid substitution p.Phe5377Ser. To our knowledge, this variant has not been reported in the literature or in a large population database, indicating this variant is rare. At this time, the clinical significance of this variant is uncertain due to the absence of conclusive functional and genetic evidence.

NM_001394062.1(MACF1):c.22505T>C (p.Phe7502Ser)

Gene: MACF1 (microtubule actin crosslinking factor 1; plus strand). Cytogenetic location: 1p34.3.
Variant type: single nucleotide variant.
Coding change: c.22505T>C on transcript NM_001394062.1 (MANE Select); coding-DNA position 22505, T replaced by C.
Protein change: p.Phe7502Ser; replaces phenylalanine 7502 with serine.
Molecular consequence: missense variant.
Genome position (GRCh38, 1-based): chr1:39,485,631, T>C. VCF-style: chr1-39485631-T-C. GRCh37 (hg19) VCF-style: chr1-39951303-T-C.
Other names: c.10385T>C, p.Phe3462Ser (NM_001397473.1); c.16130T>C, p.Phe5377Ser (NM_012090.5); short protein forms F3462S, F5377S, F7502S.
Identifiers: ClinVar variation 3346389 (VCV003346389.1).
Genomic context (GRCh38, chr1:39,485,631, plus strand): 5'-GGGCTGGGAGTCGAGCCGGGAGTCGAGCCAGCAGCCGGCGAGGAAGTGACGCTTCTGACT[T>C]TGACCTCTTAGAGACGCAGTCTGCTTGTTCCGACACTTCAGAAAGCAGCGCTGCAGGGGG-3'
Protein context (NP_001380991.1, residues 7492-7512): SSRRGSDASD[Phe7502Ser]DLLETQSACS